The following is an entry in ClinVar:

ClinVar aggregate classification (germline): Benign/Likely benign. Review status: criteria provided, multiple submitters, no conflicts (2 of 4 stars). 4 submissions from 4 submitters: Benign (2); Likely benign (1). 1 of the submissions does not count toward it. Last evaluated 2018-07-15.

Allele frequency attached by ClinVar (database versions not stated): ESP Exome Variant Server 0.04149; TOPMed 0.04386; 1000 Genomes Project 0.04613; 1000 Genomes Project 30x 0.04888.
gnomAD v4.1: 11,319 of 1,544,884 alleles (0.73%); highest among the groups gnomAD compares: African/African-American, 14%; 709 homozygotes.

Submissions (4):

GeneDx
Classification: Benign. Last evaluated: 2018-07-15. Review status: criteria provided, single submitter. Criteria: GeneDx Variant Classification Process June 2021. Collection method: clinical testing. Allele origin: germline. Affected: yes.

Eurofins Ntd Llc (ga)
Classification: Benign. Last evaluated: 2012-11-15. Review status: criteria provided, single submitter. Criteria: EGL Classification Definitions 2015. Collection method: clinical testing. Allele origin: germline. Observed: 2 variant alleles, 2 heterozygotes.

PreventionGenetics, part of Exact Sciences
Classification: Likely benign. Review status: criteria provided, single submitter. Criteria: ACMG Guidelines, 2015. Collection method: clinical testing. Allele origin: germline.

Genetic Services Laboratory, University of Chicago
Classification: Likely benign. Review status: no assertion criteria provided. Collection method: clinical testing. Allele origin: germline. Inheritance: Autosomal recessive inheritance. Not counted in ClinVar's aggregate classification.
Comment: Likely benign based on allele frequency in 1000 Genomes Project or ESP global frequency and its presence in a patient with a rare or unrelated disease phenotype. NOT Sanger confirmed

NM_133642.5(LARGE1):c.1452-28C>T

Gene: LARGE1 (LARGE xylosyl- and glucuronyltransferase 1; minus strand). Cytogenetic location: 22q12.3.
Variant type: single nucleotide variant.
Coding change: c.1452-28C>T on transcript NM_133642.5 (MANE Select); 28 bases into the intron before coding-DNA position 1452, C replaced by T.
Molecular consequence: intron variant.
Genome position (GRCh38, 1-based): chr22:33,304,535, G>A on the plus strand (C>T on the coding strand, the complement: LARGE1 is on the minus strand). VCF-style: chr22-33304535-G-A. GRCh37 (hg19) VCF-style: chr22-33700521-G-A.
Other names: c.1452-28C>T (NM_001362953.2, NM_001362949.2, NM_001378627.1 and 6 more transcripts); c.1296-28C>T (NM_001378629.1); c.693-28C>T (NM_001378631.1); c.849-28C>T (NM_001378630.1).
Identifiers: ClinVar variation 95165 (VCV000095165.14), dbSNP rs76647066, ClinGen allele CA148281.